The following is an entry in ClinVar:

NM_015466.4(PTPN23):c.1642+7C>T

Gene: PTPN23 (protein tyrosine phosphatase non-receptor type 23; plus strand). Cytogenetic location: 3p21.31.
Variant type: single nucleotide variant.
Coding change: c.1642+7C>T on transcript NM_015466.4 (MANE Select); 7 bases into the intron after coding-DNA position 1642, C replaced by T.
Molecular consequence: intron variant.
Genome position (GRCh38, 1-based): chr3:47,409,094, C>T. VCF-style: chr3-47409094-C-T. GRCh37 (hg19) VCF-style: chr3-47450584-C-T.
Other names: c.1264+7C>T (NM_001304482.2); c.1642+7C>T (NM_015466.3).
Identifiers: ClinVar variation 1631149 (VCV001631149.11), dbSNP rs200814843, ClinGen allele CA2365780.

ClinVar aggregate classification (germline): Likely benign. Review status: criteria provided, multiple submitters, no conflicts (2 of 4 stars). 3 submissions from 3 submitters: Likely benign (2). 1 of the submissions does not count toward it. Last evaluated 2025-09-10.

Conditions:
Neurodevelopmental disorder and structural brain anomalies with or without seizures and spasticity. Identifiers: MedGen C5394423, MONDO:0030046, OMIM 618890.
PTPN23-related disorder. Also called: PTPN23-related condition.

Allele frequency attached by ClinVar (database versions not stated): TOPMed 0.00017; ESP Exome Variant Server 0.00038; gnomAD exomes 0.00046 and 0.00016; gnomAD 0.00015 and 0.00016; ExAC 0.00016.
gnomAD v4.1: 712 of 1,608,482 alleles (0.044%); highest among the groups gnomAD compares: Non-Finnish European, 0.056%; 1 homozygote.

Submissions (3):

Labcorp Genetics (formerly Invitae), Labcorp
Classification: Likely benign. Last evaluated: 2025-09-10. Review status: criteria provided, single submitter. Criteria: Invitae Variant Classification Sherloc (09022015). Collection method: clinical testing. Allele origin: germline.

ARUP Laboratories, Molecular Genetics and Genomics, ARUP Laboratories
Classification: Likely benign for Neurodevelopmental disorder and structural brain anomalies with or without seizures and spasticity. Last evaluated: 2024-10-11. Review status: criteria provided, single submitter. Criteria: ARUP Molecular Germline Variant Investigation Process 2024. Collection method: clinical testing. Allele origin: germline.

PreventionGenetics, part of Exact Sciences
Classification: Likely benign for PTPN23-related condition. Last evaluated: 2019-06-21. Review status: no assertion criteria provided. Collection method: clinical testing. Allele origin: germline. Not counted in ClinVar's aggregate classification.
Comment: This variant is classified as likely benign based on ACMG/AMP sequence variant interpretation guidelines (Richards et al. 2015 PMID: 25741868, with internal and published modifications).